The following is an entry in ClinVar:

NM_001077365.2(POMT1):c.1318del (p.Leu440fs)

Gene: POMT1 (protein O-mannosyltransferase 1; plus strand). Cytogenetic location: 9q34.13.
Variant type: Deletion.
Coding change: c.1318del on transcript NM_001077365.2 (MANE Select); coding-DNA position 1318, one base deleted (C; older notation c.1318delC).
Protein change: p.Leu440fs; shifts the reading frame from leucine 440.
Molecular consequence: frameshift variant. On other transcripts: non-coding transcript variant (10).
Genome position (GRCh38, 1-based): chr9:131,518,490, C deleted; the last of 2 consecutive C bases (chr9:131,518,489-131,518,490); deleting either gives the same sequence. VCF-style (leftmost placement, unchanged base first): chr9-131518488-TC-T. GRCh37 (hg19) VCF-style: chr9-134393875-TC-T.
Other names: c.1222del, p.Leu408fs (NM_001353198.2, NM_001353197.2); c.1033del, p.Leu345fs (NM_001353199.2); c.862del, p.Leu288fs (NM_001353200.2); c.1306del, p.Leu436fs (NM_001374689.1); c.1318del, p.Leu440fs (NM_001374690.1, NM_001136113.2); c.967del, p.Leu323fs (NM_001374691.1, NM_001374692.1, NM_001374693.1 and 2 more transcripts); c.928del, p.Leu310fs (NM_001374695.1); c.1384delC (NM_007171.4); and 4 more; short protein forms L288fs, L310fs, L323fs, L345fs, L386fs, L408fs, L410fs, L436fs.
Identifiers: ClinVar variation 4847043 (VCV004847043.1).

ClinVar aggregate classification (germline): Pathogenic (1 of 4 stars; one submission).

Conditions:
Autosomal recessive limb-girdle muscular dystrophy. Identifiers: Orphanet 102015, MedGen C2931907, MONDO:0015152.

Submission:

Women's Health and Genetics/Laboratory Corporation of America, LabCorp
Classification: Pathogenic for Autosomal recessive limb-girdle muscular dystrophy. Last evaluated: 2026-03-23. Review status: criteria provided, single submitter. Criteria: LabCorp Variant Classification Summary - May 2015. Collection method: clinical testing. Allele origin: germline.
Comment: Variant summary: POMT1 c.1384delC (p.Leu462SerfsX9) results in a premature termination codon, predicted to cause a truncation of the encoded protein or absence of the protein due to nonsense mediated decay, which are commonly known mechanisms for disease. The variant was absent in 251180 control chromosomes. To our knowledge, no occurrence of c.1384delC in individuals affected with POMT1-related conditions and no experimental evidence demonstrating its impact on protein function have been reported. No submitters have cited clinical-significance assessments for this variant to ClinVar. Based on the evidence outlined above, the variant was classified as pathogenic.